The following is an entry in ClinVar:

NM_001102564.3(IFT43):c.55-1G>A

Gene: IFT43 (intraflagellar transport 43; plus strand). Cytogenetic location: 14q24.3.
Variant type: single nucleotide variant.
Coding change: c.55-1G>A on transcript NM_001102564.3 (MANE Select); the canonical splice acceptor site of the intron before coding-DNA position 55, G replaced by A.
Molecular consequence: splice acceptor variant.
Genome position (GRCh38, 1-based): chr14:75,988,884, G>A. VCF-style: chr14-75988884-G-A. GRCh37 (hg19) VCF-style: chr14-76455227-G-A.
Other names: c.55-1G>A (NM_052873.3, NM_001255995.3).
Identifiers: ClinVar variation 3629248 (VCV003629248.2).

ClinVar aggregate classification (germline): Likely pathogenic (1 of 4 stars; one submission).

Submission:

Labcorp Genetics (formerly Invitae), Labcorp
Classification: Likely pathogenic. Last evaluated: 2024-11-13. Review status: criteria provided, single submitter. Criteria: Invitae Variant Classification Sherloc (09022015). Collection method: clinical testing. Allele origin: germline.
Comment: This sequence change affects an acceptor splice site in intron 1 of the IFT43 gene. It is expected to disrupt RNA splicing. Variants that disrupt the donor or acceptor splice site typically lead to a loss of protein function (PMID: 16199547), and loss-of-function variants in IFT43 are known to be pathogenic (PMID: 21378380, 28400947). This variant is not present in population databases (gnomAD no frequency). This variant has not been reported in the literature in individuals affected with IFT43-related conditions. Algorithms developed to predict the effect of sequence changes on RNA splicing suggest that this variant may disrupt the consensus splice site. In summary, the currently available evidence indicates that the variant is pathogenic, but additional data are needed to prove that conclusively. Therefore, this variant has been classified as Likely Pathogenic.

Literature cited by the submitters: PubMed 16199547; PubMed 21378380; PubMed 28400947.